The following is an entry in ClinVar:

ClinVar aggregate classification (germline): Pathogenic (1 of 4 stars; one submission).

Conditions:
Von Hippel-Lindau syndrome (VHLS). Also called: Von Hippel-Lindau; von Hippel–Lindau syndrome; VHL syndrome. Identifiers: Orphanet 892, MedGen C0019562, MONDO:0008667, OMIM 193300. Disease mechanism: loss of function.
Chuvash polycythemia. Also called: POLYCYTHEMIA, VHL-DEPENDENT. Identifiers: Orphanet 238557, MedGen C1837915, MONDO:0009892, OMIM 263400.

Submission:

Labcorp Genetics (formerly Invitae), Labcorp
Classification: Pathogenic for Von Hippel-Lindau syndrome; Chuvash polycythemia. Last evaluated: 2024-01-07. Review status: criteria provided, single submitter. Criteria: Invitae Variant Classification Sherloc (09022015). Collection method: clinical testing. Allele origin: germline.
Comment: This sequence change creates a premature translational stop signal (p.Pro61Argfs*70) in the VHL gene. It is expected to result in an absent or disrupted protein product. Loss-of-function variants in VHL are known to be pathogenic (PMID: 8956040, 12202531). This variant is not present in population databases (gnomAD no frequency). This variant has not been reported in the literature in individuals affected with VHL-related conditions. For these reasons, this variant has been classified as Pathogenic.

Literature cited by the submitters: PubMed 8956040; PubMed 12202531.

NM_000551.4(VHL):c.182_183del (p.Pro61fs)

Gene: VHL (von Hippel-Lindau tumor suppressor; plus strand). Cytogenetic location: 3p25.3.
Variant type: Deletion.
Coding change: c.182_183del on transcript NM_000551.4 (MANE Select); coding-DNA positions 182 to 183, 2 bases deleted (CC; older notation c.182_183delCC).
Protein change: p.Pro61fs; shifts the reading frame from proline 61.
Molecular consequence: frameshift variant. On other transcripts: non-coding transcript variant (1).
Genome position (GRCh38, 1-based): chr3:10,142,029-10,142,030, CC deleted; deleting any 2 consecutive bases within chr3:10,142,028-10,142,030 gives the same sequence; the c. name uses the placement nearest the transcript's 3' end. VCF-style (leftmost placement, unchanged base first): chr3-10142027-GCC-G. GRCh37 (hg19) VCF-style: chr3-10183711-GCC-G.
Other names: c.182_183del, p.Pro61fs (NM_001354723.2, NM_198156.3); short protein forms P61fs.
Identifiers: ClinVar variation 2922021 (VCV002922021.3), dbSNP rs5030651, ClinGen allele CA2740090905.